The following is an entry in ClinVar:

ClinVar aggregate classification (germline): Likely benign (1 of 4 stars; one submission).

Allele frequency attached by ClinVar (database versions not stated): gnomAD exomes 0.00072; gnomAD 0.00475 and 0.00513; TOPMed 0.00558; 1000 Genomes Project 0.00579; 1000 Genomes Project 30x 0.00609.
gnomAD v4.1: 953 of 466,268 alleles (0.2%); highest among the groups gnomAD compares: African/African-American, 1.7%; 3 homozygotes.

Submission:

GeneDx
Classification: Likely benign. Last evaluated: 2018-06-16. Review status: criteria provided, single submitter. Criteria: GeneDx Variant Classification (06012015). Collection method: clinical testing. Allele origin: germline. Affected: yes.
Comment: This variant is considered likely benign or benign based on one or more of the following criteria: it is a conservative change, it occurs at a poorly conserved position in the protein, it is predicted to be benign by multiple in silico algorithms, and/or has population frequency not consistent with disease.

NM_198076.6(COX20):c.221+249C>T

Gene: COX20 (cytochrome c oxidase assembly factor COX20; plus strand). Cytogenetic location: 1q44.
Variant type: single nucleotide variant.
Coding change: c.221+249C>T on transcript NM_198076.6 (MANE Select); 249 bases into the intron after coding-DNA position 221, C replaced by T.
Molecular consequence: intron variant.
Genome position (GRCh38, 1-based): chr1:244,842,507, C>T. VCF-style: chr1-244842507-C-T. GRCh37 (hg19) VCF-style: chr1-245005809-C-T.
Other names: c.221+249C>T (NM_001312871.1); c.257+249C>T (NM_001312872.1); c.31+249C>T (NM_001312874.1); c.86+249C>T (NM_001312873.1).
Identifiers: ClinVar variation 673679 (VCV000673679.1), dbSNP rs182587863, ClinGen allele CA40492281.
Genomic context (GRCh38, chr1:244,842,507, plus strand): 5'-TTAAAAAGAAAGCTGTGGTTTTTACACTTCACTTAGGAAAGCCTCAACCATTTCCCTTAC[C>T]CTAATACTTATTTCATCCCTGCTTATTCATATCTGAAAATGCTACTTTAAGAATGTGTTT-3'